The following is an entry in ClinVar:

NM_030665.4(RAI1):c.514C>T (p.His172Tyr)

Gene: RAI1 (retinoic acid induced 1; plus strand). Cytogenetic location: 17p11.2.
Variant type: single nucleotide variant.
Coding change: c.514C>T on transcript NM_030665.4 (MANE Select); coding-DNA position 514, C replaced by T.
Protein change: p.His172Tyr; replaces histidine 172 with tyrosine.
Molecular consequence: missense variant.
Genome position (GRCh38, 1-based): chr17:17,793,462, C>T. VCF-style: chr17-17793462-C-T. GRCh37 (hg19) VCF-style: chr17-17696776-C-T.
Other names: c.514C>T (NM_030665.3); short protein forms H172Y.
Identifiers: ClinVar variation 1342574 (VCV001342574.4), dbSNP rs143161740, ClinGen allele CA8418138.

ClinVar aggregate classification (germline): Uncertain significance. Review status: criteria provided, multiple submitters, no conflicts (2 of 4 stars). 3 submissions from 3 submitters: Uncertain significance (3). Last evaluated 2021-07-19.

Conditions:
Inborn genetic diseases. Identifiers: MedGen C0950123, MeSH D030342.
Smith-Magenis syndrome (SMS). Also called: CHROMOSOME 17p11.2 DELETION SYNDROME. Identifiers: Orphanet 819, MedGen C0795864, MONDO:0008434, OMIM 182290.

Allele frequency attached by ClinVar (database versions not stated): gnomAD 0.00001; gnomAD exomes 0.00001 and 0.00002; ExAC 0.00002; TOPMed 0.00002; ESP Exome Variant Server 0.00008.
gnomAD v4.1: 32 of 1,613,296 alleles (0.002%); highest among the groups gnomAD compares: African/African-American, 0.0027%; no homozygotes.

Submissions (3):

Fulgent Genetics
Classification: Uncertain significance for Smith-Magenis syndrome. Last evaluated: 2021-07-19. Review status: criteria provided, single submitter. Criteria: ACMG Guidelines, 2015. Collection method: clinical testing. Allele origin: unknown.

New York Genome Center
Classification: Uncertain significance for Smith-Magenis syndrome. Last evaluated: 2021-04-02. Review status: criteria provided, single submitter. Criteria: NYGC Assertion Criteria 2020. Collection method: clinical testing. Allele origin: inherited. Observed: 1 heterozygote. Study: CSER-NYCKidSeq.

Ambry Genetics
Classification: Uncertain significance for Inborn genetic diseases. Last evaluated: 2019-02-14. Review status: criteria provided, single submitter. Criteria: Ambry Variant Classification Scheme 2023. Collection method: clinical testing. Allele origin: germline.
Comment: The p.H172Y variant (also known as c.514C>T), located in coding exon 1 of the RAI1 gene, results from a C to T substitution at nucleotide position 514. The histidine at codon 172 is replaced by tyrosine, an amino acid with similar properties. This amino acid position is well conserved in available vertebrate species. In addition, this alteration is predicted to be tolerated by in silico analysis. Since supporting evidence is limited at this time, the clinical significance of this alteration remains unclear.